The following is an entry in ClinVar:

ClinVar aggregate classification (germline): Uncertain significance. Review status: criteria provided, multiple submitters, no conflicts (2 of 4 stars). 4 submissions from 4 submitters: Uncertain significance (4). Last evaluated 2025-01-24.

Conditions:
Hereditary cancer-predisposing syndrome. Also called: Tumor predisposition; Neoplastic Syndromes, Hereditary; Hereditary Cancer Syndrome; Hereditary neoplastic syndrome. Identifiers: Orphanet 140162, MedGen C0027672, MeSH D009386, MONDO:0015356.

Allele frequency attached by ClinVar (database versions not stated): TOPMed below 0.00001; gnomAD 0.00001; gnomAD exomes 0.00001; ExAC 0.00003; ESP Exome Variant Server 0.00008.
gnomAD v4.1: 18 of 1,609,546 alleles (0.0011%); highest among the groups gnomAD compares: Non-Finnish European, 0.0015%; no homozygotes.

Submissions (4):

Ambry Genetics
Classification: Uncertain significance. Last evaluated: 2025-01-24. Review status: criteria provided, single submitter. Criteria: Ambry Variant Classification Scheme 2023. Collection method: clinical testing. Allele origin: germline.
Comment: The p.T297A variant (also known as c.889A>G), located in coding exon 7 of the RECQL gene, results from an A to G substitution at nucleotide position 889. The threonine at codon 297 is replaced by alanine, an amino acid with similar properties. This amino acid position is not well conserved in available vertebrate species, and alanine is the reference amino acid in other vertebrate species. In addition, this alteration is predicted to be tolerated by in silico analysis. Since supporting evidence is limited at this time, the clinical significance of this alteration remains unclear.

Labcorp Genetics (formerly Invitae), Labcorp
Classification: Uncertain significance. Last evaluated: 2024-08-27. Review status: criteria provided, single submitter. Criteria: Invitae Variant Classification Sherloc (09022015). Collection method: clinical testing. Allele origin: germline.
Comment: This sequence change replaces threonine, which is neutral and polar, with alanine, which is neutral and non-polar, at codon 297 of the RECQL protein (p.Thr297Ala). This variant is present in population databases (rs146080041, gnomAD 0.002%). This variant has not been reported in the literature in individuals affected with RECQL-related conditions. ClinVar contains an entry for this variant (Variation ID: 801377). An algorithm developed to predict the effect of missense changes on protein structure and function outputs the following: PolyPhen-2: "Benign". The alanine amino acid residue is found in multiple mammalian species, which suggests that this missense change does not adversely affect protein function. In summary, the available evidence is currently insufficient to determine the role of this variant in disease. Therefore, it has been classified as a Variant of Uncertain Significance.

GeneDx
Classification: Uncertain significance. Last evaluated: 2023-07-23. Review status: criteria provided, single submitter. Criteria: GeneDx Variant Classification Process June 2021. Collection method: clinical testing. Allele origin: germline. Affected: yes.
Comment: Not observed at significant frequency in large population cohorts (gnomAD); In silico analysis supports that this missense variant does not alter protein structure/function; Variants in candidate genes are classified as variants of uncertain significance in accordance with ACMG guidelines (Richards et al., 2015); This variant is associated with the following publications: (PMID: 26455304, 27460824, 25915596, 19151156, 27248010)

Mendelics
Classification: Uncertain significance for Hereditary cancer-predisposing syndrome. Last evaluated: 2019-05-28. Review status: criteria provided, single submitter. Criteria: Mendelics Assertion Criteria 2017. Collection method: clinical testing. Allele origin: unknown.

NM_002907.4(RECQL):c.889A>G (p.Thr297Ala)

Gene: RECQL (RecQ like helicase; minus strand). Cytogenetic location: 12p12.1.
Variant type: single nucleotide variant.
Coding change: c.889A>G on transcript NM_002907.4 (MANE Select); coding-DNA position 889, A replaced by G.
Protein change: p.Thr297Ala; replaces threonine 297 with alanine.
Molecular consequence: missense variant.
Genome position (GRCh38, 1-based): chr12:21,476,971, T>C on the plus strand (A>G on the coding strand, the complement: RECQL is on the minus strand). VCF-style: chr12-21476971-T-C. GRCh37 (hg19) VCF-style: chr12-21629905-T-C.
Other names: c.889A>G, p.Thr297Ala (NM_032941.3); short protein forms T297A.
Identifiers: ClinVar variation 801377 (VCV000801377.18), dbSNP rs146080041, ClinGen allele CA6478924.